The following is an entry in ClinVar:

NM_000038.6(APC):c.835-1223C>T

Gene: APC (APC regulator of WNT signaling pathway; plus strand). Cytogenetic location: 5q22.2.
Variant type: single nucleotide variant.
Coding change: c.835-1223C>T on transcript NM_000038.6 (MANE Select); 1223 bases into the intron before coding-DNA position 835, C replaced by T.
Molecular consequence: intron variant.
Genome position (GRCh38, 1-based): chr5:112,814,272, C>T. VCF-style: chr5-112814272-C-T. GRCh37 (hg19) VCF-style: chr5-112149969-C-T.
Other names: c.835-1223C>T (NM_001354895.2, NM_001127510.3, NM_001354896.2 and 1 more transcripts); c.865-1223C>T (NM_001354897.2, NM_001354902.2); c.781-1223C>T (NM_001127511.3); c.760-1223C>T (NM_001354898.2, NM_001354904.2); c.-15-1223C>T (NM_001354906.2); c.751-1223C>T (NM_001354899.2); c.658-1223C>T (NM_001354900.2, NM_001354901.2, NM_001354905.2).
Identifiers: ClinVar variation 83092 (VCV000083092.2), dbSNP rs74796412, ClinGen allele CA015069.

ClinVar aggregate classification (germline): other (0 of 4 stars; one submission).

Conditions:
Familial colorectal cancer. Identifiers: MedGen CN280943, MONDO:0023113. Disease mechanism: loss of function.

Allele frequency attached by ClinVar (database versions not stated): gnomAD 0.00021 and 0.00034; TOPMed 0.00077; 1000 Genomes Project 30x 0.00156; 1000 Genomes Project 0.00180.
gnomAD v4.1: 51 of 152,294 alleles (0.033%); highest among the groups gnomAD compares: East Asian, 0.94%; no homozygotes.

Submission:

Systems Biology Platform Zhejiang California International NanoSystems Institute
Classification: other for Familial colorectal cancer. Review status: no assertion criteria provided. Collection method: not provided. Allele origin: unknown.
ClinVar note: Converted during submission from cancer to other.